The following is an entry in ClinVar:

ClinVar aggregate classification (germline): Uncertain significance (1 of 4 stars; one submission).

Submission:

GeneDx
Classification: Uncertain significance. Last evaluated: 2019-07-29. Review status: criteria provided, single submitter. Criteria: GeneDx Variant Classification Process June 2021. Collection method: clinical testing. Allele origin: germline. Affected: yes.
Comment: Not observed in large population cohorts (Lek et al., 2016); Has not been previously published as pathogenic or benign to our knowledge

NM_006231.4(POLE):c.3595G>T (p.Glu1199Ter)

Gene: POLE (DNA polymerase epsilon, catalytic subunit; minus strand). Cytogenetic location: 12q24.33.
Variant type: single nucleotide variant.
Coding change: c.3595G>T on transcript NM_006231.4 (MANE Select); coding-DNA position 3595, G replaced by T.
Protein change: p.Glu1199Ter; replaces glutamic acid 1199 with a stop codon.
Molecular consequence: nonsense.
Genome position (GRCh38, 1-based): chr12:132,649,877, C>A on the plus strand (G>T on the coding strand, the complement: POLE is on the minus strand). VCF-style: chr12-132649877-C-A. GRCh37 (hg19) VCF-style: chr12-133226463-C-A.
Other names: short protein forms E1199*.
Identifiers: ClinVar variation 1307471 (VCV001307471.2), dbSNP rs1012418859, ClinGen allele CA387387052.